The following is an entry in ClinVar:

ClinVar aggregate classification (germline): Pathogenic. Review status: criteria provided, multiple submitters, no conflicts (2 of 4 stars). 2 submissions from 2 submitters: Pathogenic (2). Last evaluated 2025-06-24.

Allele frequency attached by ClinVar (database versions not stated): gnomAD 0.00001; TOPMed 0.00005.

Submissions (2):

Labcorp Genetics (formerly Invitae), Labcorp
Classification: Pathogenic. Last evaluated: 2025-06-24. Review status: criteria provided, single submitter. Criteria: Invitae Variant Classification Sherloc (09022015). Collection method: clinical testing. Allele origin: germline.
Comment: This sequence change creates a premature translational stop signal (p.Leu199Argfs*7) in the TECTA gene. It is expected to result in an absent or disrupted protein product. Loss-of-function variants in TECTA are known to be pathogenic (PMID: 11087000, 12746400, 17431902, 24130743). This variant is present in population databases (no rsID available, gnomAD 0.007%). This premature translational stop signal has been observed in individual(s) with autosomal recessive deafness (PMID: 23967202, 24130743). ClinVar contains an entry for this variant (Variation ID: 1335852). For these reasons, this variant has been classified as Pathogenic.

GeneDx
Classification: Pathogenic. Last evaluated: 2024-05-22. Review status: criteria provided, single submitter. Criteria: GeneDx Variant Classification Process June 2021. Collection method: clinical testing. Allele origin: germline. Affected: yes.
Comment: Observed with a variant on the opposite allele (in trans) in a patient with congenital hearing impairment in published literature (PMID: 24130743); Frameshift variant predicted to result in protein truncation or nonsense mediated decay in a gene for which loss-of-function is a known mechanism of disease; Not observed at significant frequency in large population cohorts (gnomAD); This variant is associated with the following publications: (PMID: 23967202, 24130743)

Literature cited by the submitters: PubMed 11087000 (cited by Labcorp Genetics (formerly Invitae), Labcorp); PubMed 12746400 (cited by Labcorp Genetics (formerly Invitae), Labcorp); PubMed 17431902 (cited by Labcorp Genetics (formerly Invitae), Labcorp); PubMed 24130743 (cited by Labcorp Genetics (formerly Invitae), Labcorp); PubMed 23967202 (cited by Labcorp Genetics (formerly Invitae), Labcorp).

NM_005422.4(TECTA):c.596del (p.Leu199fs)

Genes: TBCEL-TECTA (TBCEL-TECTA readthrough; plus strand), TECTA (tectorin alpha; plus strand). Cytogenetic location: 11q23.3.
Variant type: Deletion.
Coding change: c.596del on transcript NM_005422.4 (MANE Select); coding-DNA position 596, one base deleted (T; older notation c.596delT).
Protein change: p.Leu199fs; shifts the reading frame from leucine 199.
Molecular consequence: frameshift variant.
Genome position (GRCh38, 1-based): chr11:121,113,181, T deleted. VCF-style (leftmost placement, unchanged base first): chr11-121113180-CT-C. GRCh37 (hg19) VCF-style: chr11-120983889-CT-C.
Other names: c.1553del, p.Leu518fs (NM_001378761.1); short protein forms L199fs, L518fs.
Identifiers: ClinVar variation 1335852 (VCV001335852.9), dbSNP rs1029723713, ClinGen allele CA229831851.